The following is an entry in ClinVar:

NM_170784.3(MKKS):c.1161+3A>G

Gene: MKKS (MKKS centrosomal shuttling protein; minus strand). Cytogenetic location: 20p12.2.
Variant type: single nucleotide variant.
Coding change: c.1161+3A>G on transcript NM_170784.3 (MANE Select); 3 bases into the intron after coding-DNA position 1161, A replaced by G.
Molecular consequence: intron variant.
Genome position (GRCh38, 1-based): chr20:10,408,625, T>C on the plus strand (A>G on the coding strand, the complement: MKKS is on the minus strand). VCF-style: chr20-10408625-T-C. GRCh37 (hg19) VCF-style: chr20-10389273-T-C.
Other names: c.1161+3A>G (NM_018848.3).
Identifiers: ClinVar variation 860468 (VCV000860468.10), dbSNP rs192968747, ClinGen allele CA9763554.

ClinVar aggregate classification (germline): Conflicting classifications of pathogenicity. Review status: criteria provided, conflicting classifications (1 of 4 stars). 5 submissions from 5 submitters: Uncertain significance (3); Likely benign (1). 1 of the submissions does not count toward it. Last evaluated 2024-09-10.

Conditions:
Bardet-Biedl syndrome 6 (BBS6). Identifiers: Orphanet 110, MedGen C1858054, MONDO:0011523, OMIM 605231.
Bardet-Biedl syndrome (BBS). Identifiers: Orphanet 110, MedGen C0752166, MONDO:0015229.
McKusick-Kaufman syndrome (MKKS). Also called: HYDROMETROCOLPOS SYNDROME; HYDROMETROCOLPOS, POSTAXIAL POLYDACTYLY, AND CONGENITAL HEART MALFORMATION. Identifiers: Orphanet 2473, MedGen C0948368, MONDO:0009367, OMIM 236700.
MKKS-related disorder. Also called: MKKS-related disorders; MKKS-related condition.

Allele frequency attached by ClinVar (database versions not stated): ExAC 0.00003; gnomAD exomes 0.00004 and 0.00005; gnomAD 0.00034 and 0.00036; 1000 Genomes Project 0.00060; 1000 Genomes Project 30x 0.00062; TOPMed 0.00096.
gnomAD v4.1: 98 of 1,613,902 alleles (0.0061%); highest among the groups gnomAD compares: Admixed American, 0.12%; no homozygotes.

Submissions (5):

Women's Health and Genetics/Laboratory Corporation of America, LabCorp
Classification: Likely benign. Last evaluated: 2024-09-10. Review status: criteria provided, single submitter. Criteria: LabCorp Variant Classification Summary - May 2015. Collection method: clinical testing. Allele origin: germline.
Comment: Variant summary: MKKS c.1161+3A>G alters a non-conserved nucleotide located close to a canonical splice site and therefore could affect mRNA splicing, leading to a significantly altered protein sequence. Consensus agreement among computation tools predict no significant impact on normal splicing. However, these predictions have yet to be confirmed by functional studies. The variant allele was found at a frequency of 6.1e-05 in 1613902 control chromosomes, predominantly at a frequency of 0.0012 within the Latino subpopulation in the gnomAD database. The observed variant frequency within Latino control individuals in the gnomAD database is approximately 2-fold of the estimated maximal expected allele frequency for a pathogenic variant in MKKS causing Bardet-Biedl Syndrome phenotype (0.00076). c.1161+3A>G has been reported in the literature in the heterozygous state in an individual with features of Bardet-Biedl Syndrome (BBS), but who did not meet the full clinical criteria for a BBS diagnosis and also carried a pathogenic variant in BBS1 which was expected to have contributed to their phenotype (Guardiola_2021). This report does not provide unequivocal conclusions about association of the variant with Bardet-Biedl Syndrome. To our knowledge, no experimental evidence demonstrating an impact on protein function has been reported. The following publication has been ascertained in the context of this evaluation (PMID: 34262361). ClinVar contains an entry for this variant (Variation ID: 860468). Based on the evidence outlined above, the variant was classified as likely benign.

Blueprint Genetics
Classification: Uncertain significance. Last evaluated: 2024-07-05. Review status: criteria provided, single submitter. Criteria: ACMG Guidelines, 2015. Collection method: clinical testing. Allele origin: germline.

Labcorp Genetics (formerly Invitae), Labcorp
Classification: Uncertain significance for McKusick-Kaufman syndrome; Bardet-Biedl syndrome. Last evaluated: 2022-11-01. Review status: criteria provided, single submitter. Criteria: Invitae Variant Classification Sherloc (09022015). Collection method: clinical testing. Allele origin: germline.
Comment: This sequence change falls in intron 4 of the MKKS gene. It does not directly change the encoded amino acid sequence of the MKKS protein. It affects a nucleotide within the consensus splice site. This variant is present in population databases (rs192968747, gnomAD 0.03%). This variant has not been reported in the literature in individuals affected with MKKS-related conditions. ClinVar contains an entry for this variant (Variation ID: 860468). Variants that disrupt the consensus splice site are a relatively common cause of aberrant splicing (PMID: 17576681, 9536098). Algorithms developed to predict the effect of sequence changes on RNA splicing suggest that this variant is not likely to affect RNA splicing. In summary, the available evidence is currently insufficient to determine the role of this variant in disease. Therefore, it has been classified as a Variant of Uncertain Significance.

Baylor Genetics
Classification: Uncertain significance for Bardet-Biedl syndrome 6. Last evaluated: 2020-11-05. Review status: criteria provided, single submitter. Criteria: ACMG Guidelines, 2015. Collection method: clinical testing. Allele origin: unknown. Affected: yes.
Comment: This variant was determined to be of uncertain significance according to ACMG Guidelines, 2015 [PMID:25741868].

PreventionGenetics, part of Exact Sciences
Classification: Likely benign for MKKS-related condition. Last evaluated: 2020-07-14. Review status: no assertion criteria provided. Collection method: clinical testing. Allele origin: germline. Not counted in ClinVar's aggregate classification.
Comment: This variant is classified as likely benign based on ACMG/AMP sequence variant interpretation guidelines (Richards et al. 2015 PMID: 25741868, with internal and published modifications).

Literature cited by the submitters: PubMed 34262361 (cited by Women's Health and Genetics/Laboratory Corporation of America, LabCorp); PubMed 17576681 (cited by Labcorp Genetics (formerly Invitae), Labcorp); PubMed 9536098 (cited by Labcorp Genetics (formerly Invitae), Labcorp).